The following is an entry in ClinVar:

ClinVar aggregate classification (germline): Uncertain significance (1 of 4 stars; one submission).

Allele frequency attached by ClinVar (database versions not stated): gnomAD exomes below 0.00001 and 0.00001; ExAC 0.00002.
gnomAD v4.1: 6 of 1,614,038 alleles (0.00037%); highest among the groups gnomAD compares: Admixed American, 0.005%; no homozygotes.

Submission:

Labcorp Genetics (formerly Invitae), Labcorp
Classification: Uncertain significance. Last evaluated: 2022-05-12. Review status: criteria provided, single submitter. Criteria: Invitae Variant Classification Sherloc (09022015). Collection method: clinical testing. Allele origin: germline.
Comment: This sequence change replaces serine, which is neutral and polar, with asparagine, which is neutral and polar, at codon 459 of the SMARCD2 protein (p.Ser459Asn). This variant is present in population databases (rs769092314, gnomAD 0.003%). This variant has not been reported in the literature in individuals affected with SMARCD2-related conditions. Algorithms developed to predict the effect of missense changes on protein structure and function are either unavailable or do not agree on the potential impact of this missense change (SIFT: "Tolerated"; PolyPhen-2: "Probably Damaging"; Align-GVGD: "Class C0"). In summary, the available evidence is currently insufficient to determine the role of this variant in disease. Therefore, it has been classified as a Variant of Uncertain Significance.

NM_001098426.2(SMARCD2):c.1376G>A (p.Ser459Asn)

Gene: SMARCD2 (SWI/SNF related BAF chromatin remodeling complex subunit D2; minus strand). Cytogenetic location: 17q23.3.
Variant type: single nucleotide variant.
Coding change: c.1376G>A on transcript NM_001098426.2 (MANE Select); coding-DNA position 1376, G replaced by A.
Protein change: p.Ser459Asn; replaces serine 459 with asparagine.
Molecular consequence: missense variant.
Genome position (GRCh38, 1-based): chr17:63,833,362, C>T on the plus strand (G>A on the coding strand, the complement: SMARCD2 is on the minus strand). VCF-style: chr17-63833362-C-T. GRCh37 (hg19) VCF-style: chr17-61910722-C-T.
Other names: c.1151G>A, p.Ser384Asn (NM_001330439.1); c.1232G>A, p.Ser411Asn (NM_001330440.2); short protein forms S384N, S411N, S459N.
Identifiers: ClinVar variation 1425287 (VCV001425287.5), dbSNP rs769092314, ClinGen allele CA8706220.